The following is an entry in ClinVar:

ClinVar aggregate classification (germline): Pathogenic (1 of 4 stars; one submission).

Conditions:
Hereditary diffuse gastric adenocarcinoma (HDGC). Also called: DIFFUSE GASTRIC AND LOBULAR BREAST CANCER SYNDROME. Identifiers: Orphanet 26106, MedGen C1708349, MONDO:0007648, OMIM 137215.

Submission:

Labcorp Genetics (formerly Invitae), Labcorp
Classification: Pathogenic for Hereditary diffuse gastric adenocarcinoma. Last evaluated: 2021-08-10. Review status: criteria provided, single submitter. Criteria: Invitae Variant Classification Sherloc (09022015). Collection method: clinical testing. Allele origin: germline.
Comment: For these reasons, this variant has been classified as Pathogenic. This variant has not been reported in the literature in individuals affected with CDH1-related conditions. This variant is not present in population databases (ExAC no frequency). This sequence change creates a premature translational stop signal (p.Leu630Hisfs*22) in the CDH1 gene. It is expected to result in an absent or disrupted protein product. Loss-of-function variants in CDH1 are known to be pathogenic (PMID: 15235021, 20373070).

Literature cited by the submitters: PubMed 15235021; PubMed 20373070.

NM_004360.5(CDH1):c.1889_1892del (p.Leu630fs)

Gene: CDH1 (cadherin 1; plus strand). Cytogenetic location: 16q22.1.
Variant type: Deletion.
Coding change: c.1889_1892del on transcript NM_004360.5 (MANE Select); coding-DNA positions 1889 to 1892, 4 bases deleted (TAAC; older notation c.1889_1892delTAAC).
Protein change: p.Leu630fs; shifts the reading frame from leucine 630.
Molecular consequence: frameshift variant. On other transcripts: 5 prime UTR variant (1).
Genome position (GRCh38, 1-based): chr16:68,822,178-68,822,181, TAAC deleted; deleting any 4 consecutive bases within chr16:68,822,175-68,822,181 gives the same sequence; the c. name uses the placement nearest the transcript's 3' end. VCF-style (leftmost placement, unchanged base first): chr16-68822174-GAACT-G. GRCh37 (hg19) VCF-style: chr16-68856077-GAACT-G.
Other names: c.1706_1709del, p.Leu569fs (NM_001317184.2); c.341_344del, p.Leu114fs (NM_001317185.2); c.-77_-74del (NM_001317186.2); short protein forms L114fs, L569fs, L630fs.
Identifiers: ClinVar variation 1368108 (VCV001368108.6), dbSNP rs2152138523, ClinGen allele CA2573152615.